The following is an entry in ClinVar:

ClinVar aggregate classification (germline): Uncertain significance (1 of 4 stars; one submission).

Submission:

GeneDx
Classification: Uncertain significance. Last evaluated: 2022-12-14. Review status: criteria provided, single submitter. Criteria: GeneDx Variant Classification Process June 2021. Collection method: clinical testing. Allele origin: germline. Affected: yes.
Comment: Not observed at significant frequency in large population cohorts (gnomAD); In-frame deletion of 6 amino acids; In silico analysis supports that this variant does not alter protein structure/function; Has not been previously published as pathogenic or benign to our knowledge

NM_002516.4(NOVA2):c.717_734del (p.Ala244_Ala249del)

Gene: NOVA2 (NOVA alternative splicing regulator 2; minus strand). Cytogenetic location: 19q13.32.
Variant type: Deletion.
Coding change: c.717_734del on transcript NM_002516.4 (MANE Select); coding-DNA positions 717 to 734, 18 bases deleted (AGCCGCGGCCGCAGCGTC).
Protein change: p.Ala244_Ala249del.
Molecular consequence: inframe deletion.
Genome position (GRCh38, 1-based): chr19:45,940,608-45,940,625, GACGCTGCGGCCGCGGCT deleted on the plus strand (AGCCGCGGCCGCAGCGTC on the coding strand, the reverse complement: NOVA2 is on the minus strand); deleting any 18 consecutive bases within chr19:45,940,608-45,940,626 gives the same sequence; the c. name uses the placement nearest the transcript's 3' end. VCF-style (leftmost placement, unchanged base first): chr19-45940607-CGACGCTGCGGCCGCGGCT-C. GRCh37 (hg19) VCF-style: chr19-46443865-CGACGCTGCGGCCGCGGCT-C.
Identifiers: ClinVar variation 2505983 (VCV002505983.1), dbSNP rs746470375, ClinGen allele CA996344310.
Genomic context (GRCh38, chr19:45,940,607, plus strand): 5'-GGGAAAGGCCCCCACGCCAGCCAGCCCGGCGGGGCCCAGCAGGCCGGAGGCGGCGGCGGC[CGACGCTGCGGCCGCGGCT>C]GGCAGCACATCCGCGGGGCTGGCGTACGGAGAGCCGGTGGGGTTGGAGTTGGCCACGGGG-3'